The following is an entry in ClinVar:

ClinVar aggregate classification (germline): Uncertain significance. Review status: criteria provided, multiple submitters, no conflicts (2 of 4 stars). 2 submissions from 2 submitters: Uncertain significance (2). Last evaluated 2025-08-07.

Conditions:
Multiple endocrine neoplasia, type 1 (MEN1). Also called: Endocrine adenomatosis multiple; MEN 1; MEA I; MEN I; WERMER SYNDROME. Identifiers: Orphanet 652, MedGen C0025267, MeSH D018761, MONDO:0007540, OMIM 131100.

Submissions (2):

Color Diagnostics, LLC DBA Color Health
Classification: Uncertain significance for Multiple endocrine neoplasia, type 1. Last evaluated: 2025-08-07. Review status: criteria provided, single submitter. Criteria: ACMG Guidelines, 2015. Collection method: clinical testing. Allele origin: germline.
Comment: This missense variant replaces glutamine with glutamic acid at codon 450 of the MEN1 protein. Computational prediction is inconclusive regarding the impact of this variant on protein structure and function. To our knowledge, functional studies have not been reported for this variant. This variant has not been reported in individuals affected with MEN1-related disorders in the literature. A different missense variant at this codon, c.1350G>C (p.Gln450His), has been reported as disease-causing in ClinVar (variation ID: 818932). This variant has not been identified in the general population by the Genome Aggregation Database (gnomAD). The available evidence is insufficient to determine the role of this variant in disease conclusively. Therefore, this variant is classified as a Variant of Uncertain Significance.

Labcorp Genetics (formerly Invitae), Labcorp
Classification: Uncertain significance for Multiple endocrine neoplasia, type 1. Last evaluated: 2025-03-30. Review status: criteria provided, single submitter. Criteria: Invitae Variant Classification Sherloc (09022015). Collection method: clinical testing. Allele origin: germline.
Comment: This sequence change replaces glutamine, which is neutral and polar, with glutamic acid, which is acidic and polar, at codon 450 of the MEN1 protein (p.Gln450Glu). This variant is not present in population databases (gnomAD no frequency). This variant has not been reported in the literature in individuals affected with MEN1-related conditions. An algorithm developed to predict the effect of missense changes on protein structure and function (PolyPhen-2) suggests that this variant is likely to be tolerated. In summary, the available evidence is currently insufficient to determine the role of this variant in disease. Therefore, it has been classified as a Variant of Uncertain Significance.

NM_001370259.2(MEN1):c.1348C>G (p.Gln450Glu)

Gene: MEN1 (menin 1; minus strand). Cytogenetic location: 11q13.1.
Variant type: single nucleotide variant.
Coding change: c.1348C>G on transcript NM_001370259.2 (MANE Select); coding-DNA position 1348, C replaced by G.
Protein change: p.Gln450Glu; replaces glutamine 450 with glutamic acid.
Molecular consequence: missense variant. On other transcripts: non-coding transcript variant (4), intron variant (1).
Genome position (GRCh38, 1-based): chr11:64,805,036, G>C on the plus strand (C>G on the coding strand, the complement: MEN1 is on the minus strand). VCF-style: chr11-64805036-G-C. GRCh37 (hg19) VCF-style: chr11-64572508-G-C.
Other names: c.1363C>G, p.Gln455Glu (NM_000244.4, NM_001407145.1, NM_130800.3 and 4 more transcripts); c.1474C>G, p.Gln492Glu (NM_001370251.2, NM_001407142.1, NM_001407143.1 and 1 more transcripts); c.1348C>G, p.Gln450Glu (NM_001370260.2, NM_001370261.2, NM_001407146.1 and 2 more transcripts); c.1243C>G, p.Gln415Glu (NM_001370262.2, NM_001370263.2, NM_001407148.1 and 1 more transcripts); c.1489C>G, p.Gln497Glu (NM_001407150.1); c.1369C>G, p.Gln457Glu (NM_001407151.1); c.1186-220C>G (NM_001407152.1); short protein forms Q415E, Q457E, Q455E, Q492E, Q497E, Q450E.
Identifiers: ClinVar variation 4716273 (VCV004716273.1).